The following is an entry in ClinVar:

ClinVar aggregate classification (germline): Conflicting classifications of pathogenicity. Review status: criteria provided, conflicting classifications (1 of 4 stars). 2 submissions from 2 submitters: Uncertain significance (1); Likely benign (1). Last evaluated 2025-09-01.

Conditions:
Inborn genetic diseases. Identifiers: MedGen C0950123, MeSH D030342.

Allele frequency attached by ClinVar (database versions not stated): gnomAD 0.00026; TOPMed 0.00028; ExAC 0.00036; ESP Exome Variant Server 0.00046.
gnomAD v4.1: 379 of 1,613,684 alleles (0.023%); highest among the groups gnomAD compares: African/African-American, 0.021%; no homozygotes.

Submissions (2):

CeGaT Center for Human Genetics Tuebingen
Classification: Likely benign. Last evaluated: 2025-09-01. Review status: criteria provided, single submitter. Criteria: CeGaT Center For Human Genetics Tuebingen Variant Classification Criteria Version 2. Collection method: clinical testing. Allele origin: germline. Affected: yes. Observed: 2 variant alleles.
Comment: FLG: BP4

Ambry Genetics
Classification: Uncertain significance for Inborn genetic diseases. Last evaluated: 2021-08-12. Review status: criteria provided, single submitter. Criteria: Ambry Variant Classification Scheme 2023. Collection method: clinical testing. Allele origin: germline.

NM_002016.2(FLG):c.4705G>A (p.Gly1569Ser)

Genes: CCDST (cervical cancer associated DHX9 suppressive transcript; plus strand), FLG (filaggrin; minus strand). Cytogenetic location: 1q21.3.
Variant type: single nucleotide variant.
Coding change: c.4705G>A on transcript NM_002016.2 (MANE Select); coding-DNA position 4705, G replaced by A.
Protein change: p.Gly1569Ser; replaces glycine 1569 with serine.
Molecular consequence: missense variant.
Genome position (GRCh38, 1-based): chr1:152,310,181, C>T on the plus strand (G>A on the coding strand, the complement: FLG is on the minus strand). VCF-style: chr1-152310181-C-T. GRCh37 (hg19) VCF-style: chr1-152282657-C-T.
Other names: short protein forms G1569S.
Identifiers: ClinVar variation 2639286 (VCV002639286.25), dbSNP rs147938980, ClinGen allele CA1106100.